The following is an entry in ClinVar:

ClinVar aggregate classification (germline): Pathogenic. Review status: criteria provided, multiple submitters, no conflicts (2 of 4 stars). 2 submissions from 2 submitters: Pathogenic (2). Last evaluated 2024-10-23.

Conditions:
Bainbridge-Ropers syndrome. Also called: Severe feeding difficulties-failure to thrive-microcephaly due to ASXL3 deficiency syndrome. Identifiers: Orphanet 352577, MedGen C4750837, MONDO:0014205, OMIM 615485.

Submissions (2):

Greenwood Genetic Center Diagnostic Laboratories, Greenwood Genetic Center
Classification: Pathogenic for Bainbridge-Ropers syndrome. Last evaluated: 2024-10-23. Review status: criteria provided, single submitter. Criteria: ACMG Guidelines, 2015. Collection method: clinical testing. Allele origin: germline. Affected: yes.
Comment: PVS1, PS2, PS4_Moderate, PM2, PM6_Strong

Genetics Laboratory, UDIAT-Centre Diagnòstic, Hospital Universitari Parc Tauli
Classification: Pathogenic for Bainbridge-Ropers syndrome. Last evaluated: 2022-10-04. Review status: criteria provided, single submitter. Criteria: Parc Tauli Hospital Assertion Criteria 2021. Collection method: clinical testing. Allele origin: de novo. Inheritance: Autosomal dominant inheritance. Affected: yes.
Comment: PVS1;PM2_supporting;PM6

NM_030632.3(ASXL3):c.4890_4893del (p.Lys1631fs)

Gene: ASXL3 (ASXL transcriptional regulator 3; plus strand). Cytogenetic location: 18q12.1.
Variant type: Deletion.
Coding change: c.4890_4893del on transcript NM_030632.3 (MANE Select); coding-DNA positions 4890 to 4893, 4 bases deleted (AAAA; older notation c.4890_4893delAAAA).
Protein change: p.Lys1631fs; shifts the reading frame from lysine 1631.
Molecular consequence: frameshift variant.
Genome position (GRCh38, 1-based): chr18:33,744,738-33,744,741, AAAA deleted; deleting any 4 consecutive bases within chr18:33,744,737-33,744,741 gives the same sequence; the c. name uses the placement nearest the transcript's 3' end. VCF-style (leftmost placement, unchanged base first): chr18-33744736-CAAAA-C. GRCh37 (hg19) VCF-style: chr18-31324700-CAAAA-C.
Other names: short protein forms K1631fs.
Identifiers: ClinVar variation 1708256 (VCV001708256.3), dbSNP rs2510929819, ClinGen allele CA2580095673.